The following is an entry in ClinVar:

ClinVar aggregate classification (germline): Likely benign (1 of 4 stars; one submission).

Allele frequency attached by ClinVar (database versions not stated): ExAC 0.00001; gnomAD 0.00001; TOPMed 0.00001.
gnomAD v4.1: 65 of 1,612,682 alleles (0.004%); highest among the groups gnomAD compares: Non-Finnish European, 0.0051%; no homozygotes.

Submission:

CeGaT Center for Human Genetics Tuebingen
Classification: Likely benign. Last evaluated: 2023-03-01. Review status: criteria provided, single submitter. Criteria: CeGaT Center For Human Genetics Tuebingen Variant Classification Criteria Version 2. Collection method: clinical testing. Allele origin: germline. Affected: yes. Observed: 1 variant allele.
Comment: DAGLA: BP4, BP7

NM_006133.3(DAGLA):c.1128G>A (p.Ala376=)

Gene: DAGLA (diacylglycerol lipase alpha; plus strand). Cytogenetic location: 11q12.2.
Variant type: single nucleotide variant.
Coding change: c.1128G>A on transcript NM_006133.3 (MANE Select); coding-DNA position 1128, G replaced by A.
Protein change: p.Ala376=; no amino-acid change (alanine 376 retained).
Molecular consequence: synonymous variant.
Genome position (GRCh38, 1-based): chr11:61,735,002, G>A. VCF-style: chr11-61735002-G-A. GRCh37 (hg19) VCF-style: chr11-61502474-G-A.
Identifiers: ClinVar variation 2641832 (VCV002641832.24), dbSNP rs761453740, ClinGen allele CA6036766.
Genomic context (GRCh38, chr11:61,735,002, plus strand): 5'-CCACTTCCTGGACGAGAACATGACTGCGGTGGACATCGTCTATACCTCCTGCCATGATGC[G>A]GTGAGGCCGGGCAGGGCTGGGGCCTGGTGTCAGGAGCAGGCAGCTGAGGGCCTAGGGTGC-3'
Protein context (NP_006124.1, residues 366-386): VDIVYTSCHD[Ala376=]VYETPFYVAV